The following is an entry in ClinVar:

NM_001852.4(COL9A2):c.1173C>T (p.Gly391=)

Gene: COL9A2 (collagen type IX alpha 2 chain; minus strand). Cytogenetic location: 1p34.2.
Variant type: single nucleotide variant.
Coding change: c.1173C>T on transcript NM_001852.4 (MANE Select); coding-DNA position 1173, C replaced by T.
Protein change: p.Gly391=; no amino-acid change (glycine 391 retained).
Molecular consequence: synonymous variant.
Genome position (GRCh38, 1-based): chr1:40,304,518, G>A on the plus strand (C>T on the coding strand, the complement: COL9A2 is on the minus strand). VCF-style: chr1-40304518-G-A. GRCh37 (hg19) VCF-style: chr1-40770190-G-A.
Identifiers: ClinVar variation 1355310 (VCV001355310.8), dbSNP rs200428596, ClinGen allele CA791549.

ClinVar aggregate classification (germline): Uncertain significance (1 of 4 stars; one submission).

Allele frequency attached by ClinVar (database versions not stated): gnomAD exomes 0.00001 and 0.00002; TOPMed 0.00001; ExAC 0.00002; 1000 Genomes Project 30x 0.00016; 1000 Genomes Project 0.00020.
gnomAD v4.1: 10 of 1,614,110 alleles (0.00062%); highest among the groups gnomAD compares: East Asian, 0.013%; no homozygotes.

Submission:

Labcorp Genetics (formerly Invitae), Labcorp
Classification: Uncertain significance. Last evaluated: 2022-09-01. Review status: criteria provided, single submitter. Criteria: Invitae Variant Classification Sherloc (09022015). Collection method: clinical testing. Allele origin: germline.
Comment: In summary, the available evidence is currently insufficient to determine the role of this variant in disease. Therefore, it has been classified as a Variant of Uncertain Significance. Algorithms developed to predict the effect of sequence changes on RNA splicing suggest that this variant may create or strengthen a splice site. ClinVar contains an entry for this variant (Variation ID: 1355310). This variant has not been reported in the literature in individuals affected with COL9A2-related conditions. This variant is present in population databases (rs200428596, gnomAD 0.02%). This sequence change affects codon 391 of the COL9A2 mRNA. It is a 'silent' change, meaning that it does not change the encoded amino acid sequence of the COL9A2 protein.